The following is an entry in ClinVar:

ClinVar aggregate classification (germline): Uncertain significance. Review status: criteria provided, multiple submitters, no conflicts (2 of 4 stars). 2 submissions from 2 submitters: Uncertain significance (2). Last evaluated 2026-02-24.

Allele frequency attached by ClinVar (database versions not stated): ESP Exome Variant Server 0.00008.
gnomAD v4.1: 490 of 1,613,562 alleles (0.03%); highest among the groups gnomAD compares: Non-Finnish European, 0.04%; no homozygotes.

Submissions (2):

GeneDx
Classification: Uncertain significance. Last evaluated: 2026-02-24. Review status: criteria provided, single submitter. Criteria: GeneDx Variant Classification Process June 2021. Collection method: clinical testing. Allele origin: germline.
Comment: In silico analysis supports that this missense variant has a deleterious effect on protein structure/function; Has not been previously published as pathogenic or benign to our knowledge

Ambry Genetics
Classification: Uncertain significance. Last evaluated: 2025-04-13. Review status: criteria provided, single submitter. Criteria: Ambry Variant Classification Scheme 2023. Collection method: clinical testing. Allele origin: germline.

NM_015705.6(SGSM3):c.424C>T (p.Arg142Cys)

Gene: SGSM3 (small G protein signaling modulator 3; plus strand). Cytogenetic location: 22q13.1.
Variant type: single nucleotide variant.
Coding change: c.424C>T on transcript NM_015705.6 (MANE Select); coding-DNA position 424, C replaced by T.
Protein change: p.Arg142Cys; replaces arginine 142 with cysteine.
Molecular consequence: missense variant. On other transcripts: 5 prime UTR variant (1), non-coding transcript variant (4).
Genome position (GRCh38, 1-based): chr22:40,404,614, C>T. VCF-style: chr22-40404614-C-T. GRCh37 (hg19) VCF-style: chr22-40800618-C-T.
Other names: c.235C>T, p.Arg79Cys (NM_001301849.2, NM_001350042.2, NM_001350044.2 and 1 more transcripts); c.424C>T, p.Arg142Cys (NM_001350039.2, NM_001350040.2, NM_001350041.2); c.223C>T, p.Arg75Cys (NM_001350043.2, NM_001350046.2, NM_001350047.2); c.-122C>T (NM_001350048.2); c.424C>T (NM_015705.5); short protein forms R142C, R75C, R79C.
Identifiers: ClinVar variation 2384562 (VCV002384562.4), dbSNP rs374291042, ClinGen allele CA10248175.
Genomic context (GRCh38, chr22:40,404,614, plus strand): 5'-CAGCTGTGGATGCGGCTCTCTGGGGCCCTGCAGAAGAAGAGGAACTCTGAGCTGTCCTAC[C>T]GCGAGATTGTGAAGAACAGCTCCAACGATGAGACCATCGCTGCCAAGCAGGTGAGGCCGG-3'
Protein context (NP_056520.2, residues 132-152): QKKRNSELSY[Arg142Cys]EIVKNSSNDE